The following is an entry in ClinVar:

NM_001376.5(DYNC1H1):c.7758C>G (p.Ala2586=)

Gene: DYNC1H1 (dynein cytoplasmic 1 heavy chain 1; plus strand). Cytogenetic location: 14q32.31.
Variant type: single nucleotide variant.
Coding change: c.7758C>G on transcript NM_001376.5 (MANE Select); coding-DNA position 7758, C replaced by G.
Protein change: p.Ala2586=; no amino-acid change (alanine 2586 retained).
Molecular consequence: synonymous variant.
Genome position (GRCh38, 1-based): chr14:102,016,909, C>G. VCF-style: chr14-102016909-C-G. GRCh37 (hg19) VCF-style: chr14-102483246-C-G.
Other names: c.7758C>G (NM_001376.4).
Identifiers: ClinVar variation 1126279 (VCV001126279.11), dbSNP rs145487328, ClinGen allele CA7352888.

ClinVar aggregate classification (germline): Likely benign. Review status: criteria provided, single submitter (1 of 4 stars). 2 submissions from 2 submitters: Likely benign (1). 1 of the submissions does not count toward it. Last evaluated 2026-01-28.

Conditions:
DYNC1H1-related disorder. Also called: DYNC1H1-related condition; DYNC1H1-related disorders. Identifiers: MedGen CN381529.
Charcot-Marie-Tooth disease axonal type 2O. Also called: CHARCOT-MARIE-TOOTH NEUROPATHY, AXONAL, TYPE 2O; CHARCOT-MARIE-TOOTH DISEASE, AXONAL, AUTOSOMAL DOMINANT, TYPE 2O; Charcot-Marie-Tooth Neuropathy Type 2O; Charcot-Marie-Tooth disease, axonal, type 20. Identifiers: Orphanet 284232, MedGen C3280220, MONDO:0013644, OMIM 614228.

Allele frequency attached by ClinVar (database versions not stated): 1000 Genomes Project 30x 0.00016; 1000 Genomes Project 0.00020.
gnomAD v4.1: 34 of 1,614,194 alleles (0.0021%); highest among the groups gnomAD compares: South Asian, 0.036%; 1 homozygote.

Submissions (2):

Labcorp Genetics (formerly Invitae), Labcorp
Classification: Likely benign for Charcot-Marie-Tooth disease axonal type 2O. Last evaluated: 2026-01-28. Review status: criteria provided, single submitter. Criteria: Invitae Variant Classification Sherloc (09022015). Collection method: clinical testing. Allele origin: germline.

PreventionGenetics, part of Exact Sciences
Classification: Likely benign for DYNC1H1-related condition. Last evaluated: 2024-01-26. Review status: no assertion criteria provided. Collection method: clinical testing. Allele origin: germline. Not counted in ClinVar's aggregate classification.
Comment: This variant is classified as likely benign based on ACMG/AMP sequence variant interpretation guidelines (Richards et al. 2015 PMID: 25741868, with internal and published modifications).